The following is an entry in ClinVar:

NM_001367624.2(ZNF469):c.4878C>A (p.Asp1626Glu)

Gene: ZNF469 (zinc finger protein 469; plus strand). Cytogenetic location: 16q24.2.
Variant type: single nucleotide variant.
Coding change: c.4878C>A on transcript NM_001367624.2 (MANE Select); coding-DNA position 4878, C replaced by A.
Protein change: p.Asp1626Glu; replaces aspartic acid 1626 with glutamic acid.
Molecular consequence: missense variant.
Genome position (GRCh38, 1-based): chr16:88,432,348, C>A. VCF-style: chr16-88432348-C-A. GRCh37 (hg19) VCF-style: chr16-88498756-C-A.
Other names: NM_001127464.1:c.4794C>A; short protein forms D1626E.
Identifiers: ClinVar variation 3821177 (VCV003821177.1).

ClinVar aggregate classification (germline): Uncertain significance (1 of 4 stars; one submission).

Conditions:
Cardiovascular phenotype. Identifiers: MedGen CN230736.

gnomAD v4.1: 7 of 1,548,422 alleles (0.00045%); highest among the groups gnomAD compares: African/African-American, 0.0055%; no homozygotes.

Submission:

Ambry Genetics
Classification: Uncertain significance for Cardiovascular phenotype. Last evaluated: 2025-03-14. Review status: criteria provided, single submitter. Criteria: Ambry Variant Classification Scheme 2023. Collection method: clinical testing. Allele origin: germline.
Comment: The p.D1598E variant (also known as c.4794C>A), located in coding exon 2 of the ZNF469 gene, results from a C to A substitution at nucleotide position 4794. The aspartic acid at codon 1598 is replaced by glutamic acid, an amino acid with highly similar properties. This amino acid position is conserved. In addition, this alteration is predicted to be tolerated by in silico analysis. Based on the available evidence, the clinical significance of this variant remains unclear.